The following is an entry in ClinVar:

NM_020812.4(DOCK6):c.3456C>T (p.Tyr1152=)

Gene: DOCK6 (dedicator of cytokinesis 6; minus strand). Cytogenetic location: 19p13.2.
Variant type: single nucleotide variant.
Coding change: c.3456C>T on transcript NM_020812.4 (MANE Select); coding-DNA position 3456, C replaced by T.
Protein change: p.Tyr1152=; no amino-acid change (tyrosine 1152 retained).
Molecular consequence: synonymous variant.
Genome position (GRCh38, 1-based): chr19:11,221,945, G>A on the plus strand (C>T on the coding strand, the complement: DOCK6 is on the minus strand). VCF-style: chr19-11221945-G-A. GRCh37 (hg19) VCF-style: chr19-11332621-G-A.
Other names: c.3561C>T, p.Tyr1187= (NM_001367830.1).
Identifiers: ClinVar variation 740772 (VCV000740772.33), dbSNP rs761619087, ClinGen allele CA9207257.

ClinVar aggregate classification (germline): Likely benign. Review status: criteria provided, multiple submitters, no conflicts (2 of 4 stars). 3 submissions from 3 submitters: Likely benign (3). Last evaluated 2026-01-26.

Allele frequency attached by ClinVar (database versions not stated): ExAC 0.00009; gnomAD exomes 0.00012; TOPMed 0.00015; gnomAD 0.00019 and 0.00020.
gnomAD v4.1: 238 of 1,613,676 alleles (0.015%); highest among the groups gnomAD compares: Non-Finnish European, 0.018%; no homozygotes.

Submissions (3):

Labcorp Genetics (formerly Invitae), Labcorp
Classification: Likely benign. Last evaluated: 2026-01-26. Review status: criteria provided, single submitter. Criteria: Invitae Variant Classification Sherloc (09022015). Collection method: clinical testing. Allele origin: germline.

Blueprint Genetics
Classification: Likely benign. Last evaluated: 2024-09-18. Review status: criteria provided, single submitter. Criteria: ACMG Guidelines, 2015. Collection method: clinical testing. Allele origin: germline.

CeGaT Center for Human Genetics Tuebingen
Classification: Likely benign. Last evaluated: 2022-03-01. Review status: criteria provided, single submitter. Criteria: CeGaT Center For Human Genetics Tuebingen Variant Classification Criteria Version 2. Collection method: clinical testing. Allele origin: germline. Affected: yes. Observed: 1 variant allele.
Comment: DOCK6: BP4, BP7